The following is an entry in ClinVar:

NM_052947.4(ALPK2):c.5192T>G (p.Ile1731Ser)

Genes: ALPK2 (alpha kinase 2; minus strand), LOC130062577 (ATAC-STARR-seq lymphoblastoid active region 13389; plus strand). Cytogenetic location: 18q21.31.
Variant type: single nucleotide variant.
Coding change: c.5192T>G on transcript NM_052947.4 (MANE Select); coding-DNA position 5192, T replaced by G.
Protein change: p.Ile1731Ser; replaces isoleucine 1731 with serine.
Molecular consequence: missense variant.
Genome position (GRCh38, 1-based): chr18:58,534,995, A>C on the plus strand (T>G on the coding strand, the complement: ALPK2 is on the minus strand). VCF-style: chr18-58534995-A-C. GRCh37 (hg19) VCF-style: chr18-56202227-A-C.
Other names: short protein forms I1731S.
Identifiers: ClinVar variation 3290323 (VCV003290323.1).

ClinVar aggregate classification (germline): Uncertain significance (1 of 4 stars; one submission).

Submission:

Ambry Genetics
Classification: Uncertain significance. Last evaluated: 2024-05-04. Review status: criteria provided, single submitter. Criteria: Ambry Variant Classification Scheme 2023. Collection method: clinical testing. Allele origin: germline.
Comment: The p.I1731S variant (also known as c.5192T>G), located in coding exon 4 of the ALPK2 gene, results from a T to G substitution at nucleotide position 5192. The isoleucine at codon 1731 is replaced by serine, an amino acid with dissimilar properties. This amino acid position is conserved. In addition, this alteration is predicted to be tolerated by in silico analysis. Based on the available evidence, the clinical significance of this variant remains unclear.